The following is an entry in ClinVar:

NM_001963.6(EGF):c.3083G>C (p.Gly1028Ala)

Gene: EGF (epidermal growth factor; plus strand). Cytogenetic location: 4q25.
Variant type: single nucleotide variant.
Coding change: c.3083G>C on transcript NM_001963.6 (MANE Select); coding-DNA position 3083, G replaced by C.
Protein change: p.Gly1028Ala; replaces glycine 1028 with alanine.
Molecular consequence: missense variant.
Genome position (GRCh38, 1-based): chr4:109,999,756, G>C. VCF-style: chr4-109999756-G-C. GRCh37 (hg19) VCF-style: chr4-110920912-G-C.
Other names: c.2960G>C, p.Gly987Ala (NM_001178130.3); c.2957G>C, p.Gly986Ala (NM_001178131.3); c.2714G>C, p.Gly905Ala (NM_001357021.2); short protein forms G1028A, G986A, G905A, G987A.
Identifiers: ClinVar variation 1994358 (VCV001994358.4), dbSNP rs1313536333, ClinGen allele CA357873882.

ClinVar aggregate classification (germline): Uncertain significance (1 of 4 stars; one submission).

Submission:

Labcorp Genetics (formerly Invitae), Labcorp
Classification: Uncertain significance. Last evaluated: 2022-05-14. Review status: criteria provided, single submitter. Criteria: Invitae Variant Classification Sherloc (09022015). Collection method: clinical testing. Allele origin: germline.
Comment: This variant is not present in population databases (gnomAD no frequency). In summary, the available evidence is currently insufficient to determine the role of this variant in disease. Therefore, it has been classified as a Variant of Uncertain Significance. Algorithms developed to predict the effect of missense changes on protein structure and function output the following: SIFT: "Not Available"; PolyPhen-2: "Benign"; Align-GVGD: "Not Available". The alanine amino acid residue is found in multiple mammalian species, which suggests that this missense change does not adversely affect protein function. This variant has not been reported in the literature in individuals affected with EGF-related conditions. This sequence change replaces glycine, which is neutral and non-polar, with alanine, which is neutral and non-polar, at codon 1028 of the EGF protein (p.Gly1028Ala).